The following is an entry in ClinVar:

ClinVar aggregate classification (germline): Likely pathogenic (1 of 4 stars; one submission).

Allele frequency attached by ClinVar (database versions not stated): TOPMed below 0.00001; gnomAD 0.00001.

Submission:

Labcorp Genetics (formerly Invitae), Labcorp
Classification: Likely pathogenic. Last evaluated: 2023-10-08. Review status: criteria provided, single submitter. Criteria: Invitae Variant Classification Sherloc (09022015). Collection method: clinical testing. Allele origin: germline.
Comment: This sequence change affects an acceptor splice site in intron 6 of the TONSL gene. It is expected to disrupt RNA splicing. Variants that disrupt the donor or acceptor splice site typically lead to a loss of protein function (PMID: 16199547), and loss-of-function variants in TONSL are known to be pathogenic (PMID: 30773277). This variant is not present in population databases (gnomAD no frequency). This variant has not been reported in the literature in individuals affected with TONSL-related conditions. Algorithms developed to predict the effect of sequence changes on RNA splicing suggest that this variant may disrupt the consensus splice site. In summary, the currently available evidence indicates that the variant is pathogenic, but additional data are needed to prove that conclusively. Therefore, this variant has been classified as Likely Pathogenic.

Literature cited by the submitters: PubMed 16199547; PubMed 30773277.

NM_013432.5(TONSL):c.751-2A>C

Gene: TONSL (tonsoku like, DNA repair protein; minus strand). Cytogenetic location: 8q24.3.
Variant type: single nucleotide variant.
Coding change: c.751-2A>C on transcript NM_013432.5 (MANE Select); the canonical splice acceptor site of the intron before coding-DNA position 751, A replaced by C.
Molecular consequence: splice acceptor variant.
Genome position (GRCh38, 1-based): chr8:144,442,153, T>G on the plus strand (A>C on the coding strand, the complement: TONSL is on the minus strand). VCF-style: chr8-144442153-T-G. GRCh37 (hg19) VCF-style: chr8-145667536-T-G.
Identifiers: ClinVar variation 2978122 (VCV002978122.3), dbSNP rs1022115135, ClinGen allele CA187676213.